The following is an entry in ClinVar:

ClinVar aggregate classification (germline): Pathogenic (1 of 4 stars; one submission).

Allele frequency attached by ClinVar (database versions not stated): gnomAD exomes 0.00001; TOPMed 0.00001.
gnomAD v4.1: 9 of 1,588,568 alleles (0.00057%); highest among the groups gnomAD compares: Non-Finnish European, 0.00069%; no homozygotes.

Submission:

CeGaT Center for Human Genetics Tuebingen
Classification: Pathogenic. Last evaluated: 2023-07-01. Review status: criteria provided, single submitter. Criteria: CeGaT Center For Human Genetics Tuebingen Variant Classification Criteria Version 2. Collection method: clinical testing. Allele origin: germline. Affected: yes. Observed: 1 variant allele.
Comment: GEMIN5: PVS1, PM2

NM_015465.5(GEMIN5):c.1045A>T (p.Lys349Ter)

Gene: GEMIN5 (gem nuclear organelle associated protein 5; minus strand). Cytogenetic location: 5q33.2.
Variant type: single nucleotide variant.
Coding change: c.1045A>T on transcript NM_015465.5 (MANE Select); coding-DNA position 1045, A replaced by T.
Protein change: p.Lys349Ter; replaces lysine 349 with a stop codon.
Molecular consequence: nonsense.
Genome position (GRCh38, 1-based): chr5:154,927,420, T>A on the plus strand (A>T on the coding strand, the complement: GEMIN5 is on the minus strand). VCF-style: chr5-154927420-T-A. GRCh37 (hg19) VCF-style: chr5-154306980-T-A.
Other names: c.1042A>T, p.Lys348Ter (NM_001252156.2); short protein forms K348*, K349*.
Identifiers: ClinVar variation 2655980 (VCV002655980.24), dbSNP rs1764065046, ClinGen allele CA361925499.